The following is an entry in ClinVar:

ClinVar aggregate classification (germline): Uncertain significance (1 of 4 stars; one submission).

Conditions:
Spondyloepimetaphyseal dysplasia with joint laxity (SEMDJL). Identifiers: MedGen C0432243, MONDO:0019675.
Ehlers-Danlos syndrome, spondylodysplastic type, 2 (EDSSPD2). Also called: Ehlers-Danlos syndrome, progeroid type, 2. Identifiers: Orphanet 536467, Orphanet 75496, MedGen C3809210, MONDO:0014139, OMIM 615349.

Allele frequency attached by ClinVar (database versions not stated): gnomAD exomes below 0.00001; TOPMed below 0.00001; gnomAD 0.00001.

Submission:

Labcorp Genetics (formerly Invitae), Labcorp
Classification: Uncertain significance for Ehlers-Danlos syndrome, spondylodysplastic type, 2; Spondyloepimetaphyseal dysplasia with joint laxity. Last evaluated: 2022-03-01. Review status: criteria provided, single submitter. Criteria: Invitae Variant Classification Sherloc (09022015). Collection method: clinical testing. Allele origin: germline.
Comment: This sequence change replaces valine, which is neutral and non-polar, with leucine, which is neutral and non-polar, at codon 225 of the B3GALT6 protein (p.Val225Leu). This variant is not present in population databases (gnomAD no frequency). This variant has not been reported in the literature in individuals affected with B3GALT6-related conditions. Algorithms developed to predict the effect of missense changes on protein structure and function are either unavailable or do not agree on the potential impact of this missense change (SIFT: "Tolerated"; PolyPhen-2: "Probably Damaging"; Align-GVGD: "Class C0"). In summary, the available evidence is currently insufficient to determine the role of this variant in disease. Therefore, it has been classified as a Variant of Uncertain Significance.

NM_080605.4(B3GALT6):c.673G>T (p.Val225Leu)

Gene: B3GALT6 (beta-1,3-galactosyltransferase 6; plus strand). Cytogenetic location: 1p36.33.
Variant type: single nucleotide variant.
Coding change: c.673G>T on transcript NM_080605.4 (MANE Select); coding-DNA position 673, G replaced by T.
Protein change: p.Val225Leu; replaces valine 225 with leucine.
Molecular consequence: missense variant.
Genome position (GRCh38, 1-based): chr1:1,232,951, G>T. VCF-style: chr1-1232951-G-T. GRCh37 (hg19) VCF-style: chr1-1168331-G-T.
Other names: short protein forms V225L.
Identifiers: ClinVar variation 2089821 (VCV002089821.4), dbSNP rs781560319, ClinGen allele CA337828318.